The following is an entry in ClinVar:

NM_004006.3(DMD):c.9469A>G (p.Ile3157Val)

Gene: DMD (dystrophin; minus strand). Cytogenetic location: Xp21.2.
Variant type: single nucleotide variant.
Coding change: c.9469A>G on transcript NM_004006.3 (MANE Select); coding-DNA position 9469, A replaced by G.
Protein change: p.Ile3157Val; replaces isoleucine 3157 with valine.
Molecular consequence: missense variant.
Genome position (GRCh38, 1-based): chrX:31,209,592, T>C on the plus strand (A>G on the coding strand, the complement: DMD is on the minus strand). VCF-style: chrX-31209592-T-C. GRCh37 (hg19) VCF-style: chrX-31227709-T-C.
Other names: c.9445A>G, p.Ile3149Val (NM_000109.4); c.9457A>G, p.Ile3153Val (NM_004009.3); c.9100A>G, p.Ile3034Val (NM_004010.3); c.5446A>G, p.Ile1816Val (NM_004011.4); c.5437A>G, p.Ile1813Val (NM_004012.4); c.2089A>G, p.Ile697Val (NM_004013.3, NM_004020.4, NM_004021.3 and 2 more transcripts); c.1282A>G, p.Ile428Val (NM_004014.3); c.265A>G, p.Ile89Val (NM_004015.3, NM_004016.3, NM_004017.3 and 2 more transcripts); short protein forms I1813V, I1816V, I3034V, I3153V, I428V, I3157V, I89V, I3149V.
Identifiers: ClinVar variation 2069727 (VCV002069727.3), dbSNP rs934841210, ClinGen allele CA328408179.

ClinVar aggregate classification (germline): Conflicting classifications of pathogenicity. Review status: criteria provided, conflicting classifications (1 of 4 stars). 2 submissions from 2 submitters: Uncertain significance (1); Likely benign (1). Last evaluated 2026-01-17.

Conditions:
Cardiovascular phenotype. Identifiers: MedGen CN230736.
Duchenne muscular dystrophy (DMD). Also called: MUSCULAR DYSTROPHY, PSEUDOHYPERTROPHIC PROGRESSIVE, DUCHENNE TYPE; Duchenne Muscular Dystrophy (DMD). Identifiers: Orphanet 98896, MedGen C0013264, MONDO:0010679, OMIM 310200.

Allele frequency attached by ClinVar (database versions not stated): gnomAD 0.00001; gnomAD exomes 0.00001; TOPMed 0.00001.
gnomAD v4.1: 9 of 1,209,620 alleles (0.00074%); highest among the groups gnomAD compares: African/African-American, 0.0035%; no homozygotes.

Submissions (2):

Labcorp Genetics (formerly Invitae), Labcorp
Classification: Uncertain significance for Duchenne muscular dystrophy. Last evaluated: 2026-01-17. Review status: criteria provided, single submitter. Criteria: Invitae Variant Classification Sherloc (09022015). Collection method: clinical testing. Allele origin: germline.
Comment: This sequence change replaces isoleucine, which is neutral and non-polar, with valine, which is neutral and non-polar, at codon 3157 of the DMD protein (p.Ile3157Val). This variant is present in population databases (no rsID available, gnomAD 0.001%). This variant has not been reported in the literature in individuals affected with DMD-related conditions. ClinVar contains an entry for this variant (Variation ID: 2069727). Invitae Evidence Modeling of protein sequence and biophysical properties (such as structural, functional, and spatial information, amino acid conservation, physicochemical variation, residue mobility, and thermodynamic stability) indicates that this missense variant is not expected to disrupt DMD protein function with a negative predictive value of 95%. In summary, the available evidence is currently insufficient to determine the role of this variant in disease. Therefore, it has been classified as a Variant of Uncertain Significance.

Ambry Genetics
Classification: Likely benign for Cardiovascular phenotype. Last evaluated: 2025-09-15. Review status: criteria provided, single submitter. Criteria: Ambry Variant Classification Scheme 2023. Collection method: clinical testing. Allele origin: germline.